The following is an entry in ClinVar:

NM_000092.4(COL4A4):c.1321_1369+3del

Gene: COL4A4 (collagen type IV alpha 4 chain; minus strand). Cytogenetic location: 2q36.3.
Variant type: Deletion.
Coding change: c.1321_1369+3del on transcript NM_000092.4; coding-DNA position 1321 through 3 bases into the intron after coding-DNA position 1369, 52 bases deleted.
Molecular consequence: splice donor variant (on NM_000092.5).
Genome position (GRCh38, 1-based): chr2:227,094,122-227,094,173, 52 bases deleted. GRCh37 (hg19): chr2:227,958,839-227,958,890.
Other names: c.1321_1369+3del (NM_000092.5).
Identifiers: ClinVar variation 242441 (VCV000242441.27), dbSNP rs1553676221, ClinGen allele CA067706.

ClinVar aggregate classification (germline): Pathogenic/Likely pathogenic. Review status: criteria provided, multiple submitters, no conflicts (2 of 4 stars). 13 submissions from 12 submitters: Pathogenic (10); Likely pathogenic (1). 2 of the submissions do not count toward it. Last evaluated 2026-07-14.

Conditions:
Hematuria, benign familial, 1 (BFH1). Also called: THIN MEMBRANE NEPHROPATHY. Identifiers: MedGen CN376803, MONDO:0007709, OMIM 141200.
Autosomal dominant Alport syndrome (ATS3A). Also called: Alport syndrome dominant type; Renal failure and sensorineural hearing loss; ALPORT SYNDROME 3A, AUTOSOMAL DOMINANT. Identifiers: Orphanet 63, Orphanet 88918, MedGen C5882663, MONDO:0007086, OMIM 104200.
Autosomal recessive Alport syndrome (ATS2). Also called: COL4A3-Related Nephropathy; Alport syndrome type 2; COL4A4 Alport Syndrome and Thin Basement Membrane Nephropathy; ALPORT SYNDROME 2, AUTOSOMAL RECESSIVE. Identifiers: Orphanet 63, Orphanet 88919, MedGen C4746745, MONDO:0008762, OMIM 203780.
COL4A4-related disorder.
Alport syndrome. Also called: Hemorrhagic familial nephritis; Hemorrhagic hereditary nephritis; Congenital hereditary hematuria. Identifiers: Orphanet 63, MedGen C1567741, MONDO:0018965.
Benign familial hematuria. Also called: thin basement membrane disease. Identifiers: MedGen C0241908, MONDO:0957317.
Hematuria. Identifiers: MedGen C0018965, HP:0000790.

Submissions (13):

Genetics Laboratory, Great Ormond Street Hospital NHS Foundation Trust, North Thames Genomic Laboratory Hub
Classification: Pathogenic for Haematuria. Last evaluated: 2026-07-14. Review status: criteria provided, single submitter. Criteria: ACGS Best Practice Guidelines for Variant Classification in Rare Disease 2024 v1.2. Collection method: clinical testing. Allele origin: germline. Affected: yes.
Comment: PS4_moderate, PM2_moderate, PVS1_very-strong

Centre de Génétique Humaine, Institut de Pathologie Et de Génétique
Classification: Pathogenic for Hematuria, benign familial, 1; Autosomal dominant Alport syndrome. Last evaluated: 2026-04-17. Review status: criteria provided, single submitter. Criteria: ACMG Guidelines, 2015. Collection method: clinical testing. Allele origin: germline, paternal. Inheritance: Autosomal dominant inheritance. Affected: yes. Observed: 5 variant alleles, 5 heterozygotes. Clinical features observed: Microscopic hematuria (HP:0002907), Stage 2 chronic kidney disease (HP:0012624), Severe albuminuria (HP:0033066). Segregation with disease observed.
Comment: This variant deletes 52 bp (49 nucleotides at the end of exon 20 and 3 nucleotides of intron 20 including splice canonical acceptor) (PVS1). This variant is rare: allelic frequency of 0.00018% in gnomAD v4.1.0 database (PM2). Described in patients with AD AS and in trans with missense pathogenic variant in patients with AR AS, PMID: 26934356 (PM3, PP5)

CeGaT Center for Human Genetics Tuebingen
Classification: Pathogenic. Last evaluated: 2025-11-01. Review status: criteria provided, single submitter. Criteria: CeGaT Center For Human Genetics Tuebingen Variant Classification Criteria Version 2. Collection method: clinical testing. Allele origin: germline. Affected: yes. Observed: 1 variant allele.
Comment: COL4A4: PVS1:Strong, PM2, PP1:Moderate, PS4:Moderate

Blueprint Genetics
Classification: Pathogenic for COL4A4-related disorders. Last evaluated: 2024-11-20. Review status: criteria provided, single submitter. Criteria: ACMG Guidelines, 2015. Collection method: clinical testing. Allele origin: germline. Affected: yes. Observed: 5 variant alleles.

MVZ Medizinische Genetik Mainz
Classification: Pathogenic for Autosomal recessive Alport syndrome. Last evaluated: 2024-09-09. Review status: criteria provided, single submitter. Criteria: UK Practice Guidelines For Variant Classification V4 01 2020. Collection method: clinical testing. Allele origin: germline. Inheritance: Autosomal dominant inheritance. Affected: yes. Observed: 1 variant allele.
Comment: ACMG Criteria: PVS1,PS4,PM2_SUP,PP4

Fulgent Genetics
Classification: Likely pathogenic for Hematuria, benign familial, 1; Autosomal recessive Alport syndrome. Last evaluated: 2024-02-19. Review status: criteria provided, single submitter. Criteria: ACMG Guidelines, 2015. Collection method: clinical testing. Allele origin: germline.

Victorian Clinical Genetics Services, Murdoch Childrens Research Institute
Classification: Pathogenic for Alport syndrome. Last evaluated: 2023-07-17. Review status: criteria provided, single submitter. Criteria: ACMG Guidelines, 2015. Collection method: clinical testing. Allele origin: germline. Inheritance: Autosomal dominant inheritance.
Comment: Based on the classification scheme VCGS_Germline_v1.3.4, this variant is classified as Pathogenic. Following criteria are met: 0102 - Loss of function is a known mechanism of disease for this gene and is associated with Alport syndrome (MONDO:0018965). Dominant negative is a suspected mechanism of disease for this gene as it is a structural protein (PMIDs: 12028435, 24046192). (I) 0108 - This gene is associated with both recessive and dominant disease. Alport syndrome typically has biallelic inheritance, although rare cases of monoallelic inheritance have been reported (PMID: 28704582). Thin basement membrane nephropathy (TBMN) and focal segmental glomerulosclerosis (FSGS) are associated with autosomal dominant inheritance (OMIM, PMIDs: 16467446, 17942953). (I) 0211 - Canonical splice site variant without proven consequence on splicing (no functional evidence available). This variant is a deletion of 52bp that encompasses part of exon 20 and the cannonical donor splice site of intron 20. (SP) 0251 - This variant is heterozygous. (I) 0301 - Variant is absent from gnomAD (both v2 and v3). (SP) 0801 - This variant has strong previous evidence of pathogenicity in unrelated individuals. (SP) 1007 - No published functional evidence has been identified for this variant. (I) Legend: (SP) - Supporting pathogenic, (I) - Information, (SB) - Supporting benign

Labcorp Genetics (formerly Invitae), Labcorp
Classification: Pathogenic. Last evaluated: 2023-07-08. Review status: criteria provided, single submitter. Criteria: Invitae Variant Classification Sherloc (09022015). Collection method: clinical testing. Allele origin: germline.
Comment: For these reasons, this variant has been classified as Pathogenic. Algorithms developed to predict the effect of sequence changes on RNA splicing suggest that this variant may disrupt the consensus splice site. ClinVar contains an entry for this variant (Variation ID: 242441). This variant has been observed in individual(s) with Alport syndrome (Invitae). It has also been observed to segregate with disease in related individuals. This variant is not present in population databases (gnomAD no frequency). This variant results in the deletion of part of exon 20 (c.1321_1369+3del) of the COL4A4 gene. It is expected to disrupt RNA splicing. Variants that disrupt the donor or acceptor splice site typically lead to a loss of protein function (PMID: 16199547), and loss-of-function variants in COL4A4 are known to be pathogenic (PMID: 21196518, 24854265, 25307543).

Laboratory of Medical Genetics, National & Kapodistrian University of Athens
Classification: Pathogenic for Hematuria, benign familial, 1. Last evaluated: 2022-10-27. Review status: criteria provided, single submitter. Criteria: ACMG Guidelines, 2015. Collection method: clinical testing. Allele origin: germline. Affected: yes.
Comment: PVS1, PM2, PP4, PP5

Laboratory for Molecular Genetics, Institute of Pathology, Faculty of Medicine, University of Ljubljana
Classification: Pathogenic for Autosomal recessive Alport syndrome. Last evaluated: 2020-11-18. Review status: criteria provided, single submitter. Criteria: ACMG Guidelines, 2015. Collection method: clinical testing. Allele origin: germline. Inheritance: Autosomal recessive inheritance. Affected: yes. Observed: 1 heterozygote.

Institute of Human Genetics Munich, TUM University Hospital
Classification: Pathogenic for Autosomal recessive Alport syndrome. Last evaluated: 2019-06-07. Review status: criteria provided, single submitter. Criteria: Classification criteria August 2017. Collection method: clinical testing. Allele origin: inherited. Inheritance: Autosomal recessive inheritance. Affected: yes. Observed: 1 heterozygote.

Bioscientia Institut fuer Medizinische Diagnostik GmbH, Sonic Healthcare
Classification: Pathogenic for Autosomal dominant Alport syndrome. Last evaluated: 2018-09-13. Review status: no assertion criteria provided. Collection method: clinical testing. Allele origin: germline. Affected: yes. Not counted in ClinVar's aggregate classification.

Bioscientia Institut fuer Medizinische Diagnostik GmbH, Sonic Healthcare
Classification: Pathogenic for Autosomal dominant Alport syndrome. Last evaluated: 2017-09-18. Review status: flagged submission. Collection method: clinical testing. Allele origin: germline. Affected: yes. Not counted in ClinVar's aggregate classification.
ClinVar note: Reason: This record appears to be redundant with a more recent record from the same submitter.
ClinVar note: Notes: SCV000746065 appears to be redundant with SCV000863940.

Literature cited by the submitters: PubMed 25514610 (cited by Centre de Génétique Humaine, Institut de Pathologie Et de Génétique); PubMed 26934356 (cited by Centre de Génétique Humaine, Institut de Pathologie Et de Génétique and Victorian Clinical Genetics Services, Murdoch Childrens Research Institute); PubMed 33233744 (cited by Centre de Génétique Humaine, Institut de Pathologie Et de Génétique and Victorian Clinical Genetics Services, Murdoch Childrens Research Institute); PubMed 41069567 (cited by Centre de Génétique Humaine, Institut de Pathologie Et de Génétique); PubMed 12028435 (cited by Victorian Clinical Genetics Services, Murdoch Childrens Research Institute); PubMed 16467446 (cited by Victorian Clinical Genetics Services, Murdoch Childrens Research Institute); PubMed 17942953 (cited by Victorian Clinical Genetics Services, Murdoch Childrens Research Institute); PubMed 24046192 (cited by Victorian Clinical Genetics Services, Murdoch Childrens Research Institute); PubMed 28704582 (cited by Victorian Clinical Genetics Services, Murdoch Childrens Research Institute); PubMed 16199547 (cited by Labcorp Genetics (formerly Invitae), Labcorp); PubMed 21196518 (cited by Labcorp Genetics (formerly Invitae), Labcorp); PubMed 24854265 (cited by Labcorp Genetics (formerly Invitae), Labcorp); PubMed 25307543 (cited by Labcorp Genetics (formerly Invitae), Labcorp).